The following is an entry in ClinVar:

ClinVar aggregate classification (germline): Uncertain significance (1 of 4 stars; one submission).

Submission:

Ambry Genetics
Classification: Uncertain significance. Last evaluated: 2023-09-21. Review status: criteria provided, single submitter. Criteria: Ambry Variant Classification Scheme 2023. Collection method: clinical testing. Allele origin: germline.
Comment: The p.K80N variant (also known as c.240A>T), located in coding exon 2 of the BUB3 gene, results from an A to T substitution at nucleotide position 240. The lysine at codon 80 is replaced by asparagine, an amino acid with similar properties. This amino acid position is conserved. In addition, the in silico prediction for this alteration is inconclusive. Since supporting evidence is limited at this time, the clinical significance of this alteration remains unclear.

NM_004725.4(BUB3):c.240A>T (p.Lys80Asn)

Gene: BUB3 (BUB3 mitotic checkpoint protein; plus strand). Cytogenetic location: 10q26.13.
Variant type: single nucleotide variant.
Coding change: c.240A>T on transcript NM_004725.4 (MANE Select); coding-DNA position 240, A replaced by T.
Protein change: p.Lys80Asn; replaces lysine 80 with asparagine.
Molecular consequence: missense variant.
Genome position (GRCh38, 1-based): chr10:123,155,702, A>T. VCF-style: chr10-123155702-A-T. GRCh37 (hg19) VCF-style: chr10-124915218-A-T.
Other names: c.240A>T, p.Lys80Asn (NM_001007793.3); short protein forms K80N.
Identifiers: ClinVar variation 3224495 (VCV003224495.1), dbSNP rs2493756779, ClinGen allele CA378625252.